The following is an entry in ClinVar:

ClinVar aggregate classification (germline): Uncertain significance. Review status: criteria provided, multiple submitters, no conflicts (2 of 4 stars). 2 submissions from 2 submitters: Uncertain significance (2). Last evaluated 2026-01-26.

Conditions:
Microphthalmia, syndromic 9. Also called: PULMONARY AGENESIS, MICROPHTHALMIA, AND DIAPHRAGMATIC DEFECT; SPEAR SYNDROME; ANOPHTHALMIA, CLINICAL, WITH MILD FACIAL DYSMORPHISM AND VARIABLE MALFORMATIONS OF THE LUNG, HEART, AND DIAPHRAGM; ANOPHTHALMIA/MICROPHTHALMIA AND PULMONARY HYPOPLASIA; Matthew-Wood syndrome. Identifiers: Orphanet 2470, MedGen C1832661, MONDO:0011010, OMIM 601186.
Inborn genetic diseases. Identifiers: MedGen C0950123, MeSH D030342.

gnomAD v4.1: 181 of 1,612,898 alleles (0.011%); highest among the groups gnomAD compares: Non-Finnish European, 0.015%; no homozygotes.

Submissions (2):

Labcorp Genetics (formerly Invitae), Labcorp
Classification: Uncertain significance for Microphthalmia, syndromic 9. Last evaluated: 2026-01-26. Review status: criteria provided, single submitter. Criteria: Invitae Variant Classification Sherloc (09022015). Collection method: clinical testing. Allele origin: germline.
Comment: This sequence change replaces isoleucine, which is neutral and non-polar, with phenylalanine, which is neutral and non-polar, at codon 542 of the STRA6 protein (p.Ile542Phe). This variant is present in population databases (rs141168559, gnomAD 0.02%). This variant has not been reported in the literature in individuals affected with STRA6-related conditions. ClinVar contains an entry for this variant (Variation ID: 3323402). Invitae Evidence Modeling of protein sequence and biophysical properties (such as structural, functional, and spatial information, amino acid conservation, physicochemical variation, residue mobility, and thermodynamic stability) indicates that this missense variant is not expected to disrupt STRA6 protein function with a negative predictive value of 80%. In summary, the available evidence is currently insufficient to determine the role of this variant in disease. Therefore, it has been classified as a Variant of Uncertain Significance.

Ambry Genetics
Classification: Uncertain significance for Inborn genetic diseases. Last evaluated: 2024-04-24. Review status: criteria provided, single submitter. Criteria: Ambry Variant Classification Scheme 2023. Collection method: clinical testing. Allele origin: germline.

NM_022369.4(STRA6):c.1624A>T (p.Ile542Phe)

Gene: STRA6 (signaling receptor and transporter of retinol STRA6; minus strand). Cytogenetic location: 15q24.1.
Variant type: single nucleotide variant.
Coding change: c.1624A>T on transcript NM_022369.4 (MANE Select); coding-DNA position 1624, A replaced by T.
Protein change: p.Ile542Phe; replaces isoleucine 542 with phenylalanine.
Molecular consequence: missense variant.
Genome position (GRCh38, 1-based): chr15:74,181,355, T>A on the plus strand (A>T on the coding strand, the complement: STRA6 is on the minus strand). VCF-style: chr15-74181355-T-A. GRCh37 (hg19) VCF-style: chr15-74473696-T-A.
Other names: c.1669A>T, p.Ile557Phe (NM_001199041.2); c.1741A>T, p.Ile581Phe (NM_001199042.2); c.1624A>T, p.Ile542Phe (NM_001142617.2, NM_001142618.2); c.1597A>T, p.Ile533Phe (NM_001142619.2); c.1735A>T, p.Ile579Phe (NM_001199040.2); short protein forms I581F, I542F, I557F, I533F, I579F.
Identifiers: ClinVar variation 3323402 (VCV003323402.3).